The following is an entry in ClinVar:

ClinVar aggregate classification (germline): Uncertain significance (1 of 4 stars; one submission).

Conditions:
Myopathy, tubular aggregate, 2 (TAM2). Identifiers: MedGen C4014557, MONDO:0014383, OMIM 615883.
Combined immunodeficiency due to ORAI1 deficiency. Also called: IMMUNODEFICIENCY 9. Identifiers: Orphanet 169090, Orphanet 317428, MedGen C2748568, MONDO:0013007, OMIM 612782.

Submission:

Labcorp Genetics (formerly Invitae), Labcorp
Classification: Uncertain significance for Myopathy, tubular aggregate, 2; Combined immunodeficiency due to ORAI1 deficiency. Last evaluated: 2024-09-27. Review status: criteria provided, single submitter. Criteria: Invitae Variant Classification Sherloc (09022015). Collection method: clinical testing. Allele origin: germline.
Comment: This sequence change replaces leucine, which is neutral and non-polar, with proline, which is neutral and non-polar, at codon 193 of the ORAI1 protein (p.Leu193Pro). This variant is not present in population databases (gnomAD no frequency). This variant has not been reported in the literature in individuals affected with ORAI1-related conditions. Experimental studies and prediction algorithms are not available or were not evaluated, and the functional significance of this variant is currently unknown. In summary, the available evidence is currently insufficient to determine the role of this variant in disease. Therefore, it has been classified as a Variant of Uncertain Significance.

NC_000012.12:g.121641315T>C

Gene: ORAI1 (ORAI calcium release-activated calcium modulator 1; plus strand). Cytogenetic location: 12q24.31.
Variant type: single nucleotide variant.
Molecular consequence: non-coding transcript variant (on NR_186857.1).
Genome position: GRCh38 VCF-style: chr12-121641315-T-C. GRCh37 (hg19) VCF-style: chr12-122079221-T-C.
Identifiers: ClinVar variation 3759263 (VCV003759263.2).
Genomic context (GRCh38, chr12:121,641,315, plus strand): 5'-AGCTGGCCTGGGCCTTCTCCACCGTCATCGGCACGCTGCTCTTCCTAGCTGAGGTGGTGC[T>C]GCTCTGCTGGGTCAAGTTCTTGCCCCTCAAGAAGCAGCCAGGCCAGCCAAGGCCCACCAG-3'